The following is an entry in ClinVar:

NM_004006.3(DMD):c.9163+2T>C

Gene: DMD (dystrophin; minus strand). Cytogenetic location: Xp21.2.
Variant type: single nucleotide variant.
Coding change: c.9163+2T>C on transcript NM_004006.3 (MANE Select); the canonical splice donor site of the intron after coding-DNA position 9163, T replaced by C.
Molecular consequence: splice donor variant.
Genome position (GRCh38, 1-based): chrX:31,348,554, A>G on the plus strand (T>C on the coding strand, the complement: DMD is on the minus strand). VCF-style: chrX-31348554-A-G. GRCh37 (hg19) VCF-style: chrX-31366671-A-G.
Other names: c.1783+2T>C (NM_004023.3, NM_004020.4, NM_004022.3 and 2 more transcripts); c.976+2T>C (NM_004014.3); c.9151+2T>C (NM_004009.3); c.8794+2T>C (NM_004010.3); c.9139+2T>C (NM_000109.4); c.5140+2T>C (NM_004011.4); c.5131+2T>C (NM_004012.4).
Identifiers: ClinVar variation 1475827 (VCV001475827.8), dbSNP rs1556539065, ClinGen allele CA412653550.

ClinVar aggregate classification (germline): Likely pathogenic (1 of 4 stars; one submission).

Conditions:
Duchenne muscular dystrophy (DMD). Also called: Duchenne Muscular Dystrophy (DMD); MUSCULAR DYSTROPHY, PSEUDOHYPERTROPHIC PROGRESSIVE, DUCHENNE TYPE. Identifiers: Orphanet 98896, MedGen C0013264, MONDO:0010679, OMIM 310200.

Submission:

Labcorp Genetics (formerly Invitae), Labcorp
Classification: Likely pathogenic for Duchenne muscular dystrophy. Last evaluated: 2021-06-03. Review status: criteria provided, single submitter. Criteria: Invitae Variant Classification Sherloc (09022015). Collection method: clinical testing. Allele origin: germline.
Comment: This sequence change affects a donor splice site in intron 61 of the DMD gene. It is expected to disrupt RNA splicing. Variants that disrupt the donor or acceptor splice site typically lead to a loss of protein function (PMID: 16199547), and loss-of-function variants in DMD are known to be pathogenic (PMID: 16770791, 25007885). This variant is not present in population databases (ExAC no frequency). This variant has not been reported in the literature in individuals with DMD-related conditions. Algorithms developed to predict the effect of sequence changes on RNA splicing suggest that this variant may disrupt the consensus splice site, but this prediction has not been confirmed by published transcriptional studies. In summary, the currently available evidence indicates that the variant is pathogenic, but additional data are needed to prove that conclusively. Therefore, this variant has been classified as Likely Pathogenic.

Literature cited by the submitters: PubMed 16199547; PubMed 16770791; PubMed 25007885.